The following is an entry in ClinVar:

NM_003239.5(TGFB3):c.754+257A>G

Gene: TGFB3 (transforming growth factor beta 3; minus strand). Cytogenetic location: 14q24.3.
Variant type: single nucleotide variant.
Coding change: c.754+257A>G on transcript NM_003239.5 (MANE Select); 257 bases into the intron after coding-DNA position 754, A replaced by G.
Molecular consequence: intron variant.
Genome position (GRCh38, 1-based): chr14:75,965,331, T>C on the plus strand (A>G on the coding strand, the complement: TGFB3 is on the minus strand). VCF-style: chr14-75965331-T-C. GRCh37 (hg19) VCF-style: chr14-76431674-T-C.
Other names: c.754+257A>G (NM_001329939.2, NM_001329938.2).
Identifiers: ClinVar variation 683992 (VCV000683992.1), dbSNP rs3917192, ClinGen allele CA14008720.

ClinVar aggregate classification (germline): Benign (1 of 4 stars; one submission).

Allele frequency attached by ClinVar (database versions not stated): 1000 Genomes Project 0.77716; 1000 Genomes Project 30x 0.77873; TOPMed 0.82048; gnomAD 0.82348 and 0.82708.
gnomAD v4.1: 125,433 of 152,240 alleles (82%); highest among the groups gnomAD compares: South Asian, 84%; 51,881 homozygotes.

Submission:

GeneDx
Classification: Benign. Last evaluated: 2018-06-18. Review status: criteria provided, single submitter. Criteria: GeneDx Variant Classification (06012015). Collection method: clinical testing. Allele origin: germline. Affected: yes.
Comment: This variant is considered likely benign or benign based on one or more of the following criteria: it is a conservative change, it occurs at a poorly conserved position in the protein, it is predicted to be benign by multiple in silico algorithms, and/or has population frequency not consistent with disease.